The following is an entry in ClinVar:

NM_000352.6(ABCC8):c.1432G>T (p.Ala478Ser)

Gene: ABCC8 (ATP binding cassette subfamily C member 8; minus strand). Cytogenetic location: 11p15.1.
Variant type: single nucleotide variant.
Coding change: c.1432G>T on transcript NM_000352.6 (MANE Select); coding-DNA position 1432, G replaced by T.
Protein change: p.Ala478Ser; replaces alanine 478 with serine.
Molecular consequence: missense variant. On other transcripts: non-coding transcript variant (1).
Genome position (GRCh38, 1-based): chr11:17,443,213, C>A on the plus strand (G>T on the coding strand, the complement: ABCC8 is on the minus strand). VCF-style: chr11-17443213-C-A. GRCh37 (hg19) VCF-style: chr11-17464760-C-A.
Other names: c.1432G>T, p.Ala478Ser (NM_001287174.3, NM_001351295.2); c.1429G>T, p.Ala477Ser (NM_001351296.2, NM_001351297.2); short protein forms A477S, A478S.
Identifiers: ClinVar variation 1772540 (VCV001772540.5), dbSNP rs2496755557, ClinGen allele CA379767017.

ClinVar aggregate classification (germline): Uncertain significance. Review status: criteria provided, multiple submitters, no conflicts (2 of 4 stars). 4 submissions from 4 submitters: Uncertain significance (4). Last evaluated 2025-02-26.

Conditions:
Inborn genetic diseases. Identifiers: MedGen C0950123, MeSH D030342.

Submissions (4):

Labcorp Genetics (formerly Invitae), Labcorp
Classification: Uncertain significance. Last evaluated: 2025-02-26. Review status: criteria provided, single submitter. Criteria: Invitae Variant Classification Sherloc (09022015). Collection method: clinical testing. Allele origin: germline.
Comment: This sequence change replaces alanine, which is neutral and non-polar, with serine, which is neutral and polar, at codon 478 of the ABCC8 protein (p.Ala478Ser). This variant is not present in population databases (gnomAD no frequency). This variant has not been reported in the literature in individuals affected with ABCC8-related conditions. ClinVar contains an entry for this variant (Variation ID: 1772540). Invitae Evidence Modeling of protein sequence and biophysical properties (such as structural, functional, and spatial information, amino acid conservation, physicochemical variation, residue mobility, and thermodynamic stability) has been performed for this missense variant. However, the output from this modeling did not meet the statistical confidence thresholds required to predict the impact of this variant on ABCC8 protein function. In summary, the available evidence is currently insufficient to determine the role of this variant in disease. Therefore, it has been classified as a Variant of Uncertain Significance.

Women's Health and Genetics/Laboratory Corporation of America, LabCorp
Classification: Uncertain significance. Last evaluated: 2025-02-18. Review status: criteria provided, single submitter. Criteria: LabCorp Variant Classification Summary - May 2015. Collection method: clinical testing. Allele origin: germline.
Comment: Variant summary: ABCC8 c.1432G>T (p.Ala478Ser) results in a conservative amino acid change located in the ABC transporter type 1, transmembrane domain (IPR011527) of the encoded protein sequence. Three of five in-silico tools predict a benign effect of the variant on protein function. The variant was absent in 251342 control chromosomes. The available data on variant occurrences in the general population are insufficient to allow any conclusion about variant significance. c.1432G>T has been reported in the literature in an individual affected with early-onset diabetes who was suspected of Maturity Onset Diabetes Of The Young (MODY) and whose parents were both reportedly affected with diabetes, however no genotype information was specified (Yorifuji_2022). This report does not provide unequivocal conclusions about association of the variant with Neonatal Diabetes Mellitus/Maturity Onset Diabetes Of The Young. To our knowledge, no experimental evidence demonstrating an impact on protein function has been reported. The following publication has been ascertained in the context of this evaluation (PMID: 36504295). ClinVar contains an entry for this variant (Variation ID: 1772540). Based on the evidence outlined above, the variant was classified as uncertain significance.

GeneDx
Classification: Uncertain significance. Last evaluated: 2024-05-08. Review status: criteria provided, single submitter. Criteria: GeneDx Variant Classification Process June 2021. Collection method: clinical testing. Allele origin: germline. Affected: yes.
Comment: Not observed at significant frequency in large population cohorts (gnomAD); In silico analysis indicates that this missense variant does not alter protein structure/function; This variant is associated with the following publications: (PMID: 36504295)

Ambry Genetics
Classification: Uncertain significance for Inborn genetic diseases. Last evaluated: 2021-10-19. Review status: criteria provided, single submitter. Criteria: Ambry Variant Classification Scheme 2023. Collection method: clinical testing. Allele origin: germline.
Comment: The p.A478S variant (also known as c.1432G>T), located in coding exon 9 of the ABCC8 gene, results from a G to T substitution at nucleotide position 1432. The alanine at codon 478 is replaced by serine, an amino acid with similar properties. This amino acid position is conserved. In addition, the in silico prediction for this alteration is inconclusive. Since supporting evidence is limited at this time, the clinical significance of this alteration remains unclear.

Literature cited by the submitters: PubMed 36504295 (cited by Women's Health and Genetics/Laboratory Corporation of America, LabCorp).